The following is an entry in ClinVar:

ClinVar aggregate classification (germline): Likely benign (1 of 4 stars; one submission).

Allele frequency attached by ClinVar (database versions not stated): 1000 Genomes Project 0.00180; 1000 Genomes Project 30x 0.00203; TOPMed 0.00532; gnomAD 0.00603; gnomAD exomes 0.00780.
gnomAD v4.1: 11,156 of 1,461,458 alleles (0.76%); highest among the groups gnomAD compares: Non-Finnish European, 0.86%; 66 homozygotes.

Submission:

GeneDx
Classification: Likely benign. Last evaluated: 2021-06-02. Review status: criteria provided, single submitter. Criteria: GeneDx Variant Classification Process June 2021. Collection method: clinical testing. Allele origin: germline. Affected: yes.
Comment: See Variant Classification Assertion Criteria.

NM_002292.4(LAMB2):c.2018+95C>T

Gene: LAMB2 (laminin subunit beta 2; minus strand). Cytogenetic location: 3p21.31.
Variant type: single nucleotide variant.
Coding change: c.2018+95C>T on transcript NM_002292.4 (MANE Select); 95 bases into the intron after coding-DNA position 2018, C replaced by T.
Molecular consequence: intron variant.
Genome position (GRCh38, 1-based): chr3:49,128,363, G>A on the plus strand (C>T on the coding strand, the complement: LAMB2 is on the minus strand). VCF-style: chr3-49128363-G-A. GRCh37 (hg19) VCF-style: chr3-49165796-G-A.
Identifiers: ClinVar variation 1707288 (VCV001707288.2), dbSNP rs149740551, ClinGen allele CA15290545.